The following is an entry in ClinVar:

NM_001145358.2(SIN3A):c.3602G>A (p.Arg1201His)

Gene: SIN3A (SIN3 transcription regulator family member A; minus strand). Cytogenetic location: 15q24.2.
Variant type: single nucleotide variant.
Coding change: c.3602G>A on transcript NM_001145358.2 (MANE Select); coding-DNA position 3602, G replaced by A.
Protein change: p.Arg1201His; replaces arginine 1201 with histidine.
Molecular consequence: missense variant.
Genome position (GRCh38, 1-based): chr15:75,372,199, C>T on the plus strand (G>A on the coding strand, the complement: SIN3A is on the minus strand). VCF-style: chr15-75372199-C-T. GRCh37 (hg19) VCF-style: chr15-75664540-C-T.
Other names: c.3602G>A, p.Arg1201His (NM_001145357.2, NM_015477.3); short protein forms R1201H.
Identifiers: ClinVar variation 2896236 (VCV002896236.3), dbSNP rs771459621, ClinGen allele CA7667188.

ClinVar aggregate classification (germline): Uncertain significance (1 of 4 stars; one submission).

Allele frequency attached by ClinVar (database versions not stated): gnomAD 0.00001; TOPMed below 0.00001; ExAC 0.00001.

Submission:

Labcorp Genetics (formerly Invitae), Labcorp
Classification: Uncertain significance. Last evaluated: 2025-06-04. Review status: criteria provided, single submitter. Criteria: Invitae Variant Classification Sherloc (09022015). Collection method: clinical testing. Allele origin: germline.
Comment: This sequence change replaces arginine, which is basic and polar, with histidine, which is basic and polar, at codon 1201 of the SIN3A protein (p.Arg1201His). This variant is present in population databases (rs771459621, gnomAD 0.004%). This variant has not been reported in the literature in individuals affected with SIN3A-related conditions. ClinVar contains an entry for this variant (Variation ID: 2896236). Invitae Evidence Modeling of protein sequence and biophysical properties (such as structural, functional, and spatial information, amino acid conservation, physicochemical variation, residue mobility, and thermodynamic stability) indicates that this missense variant is not expected to disrupt SIN3A protein function with a negative predictive value of 80%. In summary, the available evidence is currently insufficient to determine the role of this variant in disease. Therefore, it has been classified as a Variant of Uncertain Significance.